The following is an entry in ClinVar:

ClinVar aggregate classification (germline): Uncertain significance. Review status: criteria provided, multiple submitters, no conflicts (2 of 4 stars). 2 submissions from 2 submitters: Uncertain significance (2). Last evaluated 2024-06-04.

Conditions:
Hereditary cancer-predisposing syndrome. Also called: Hereditary Cancer Syndrome; Hereditary neoplastic syndrome; Neoplastic Syndromes, Hereditary; Tumor predisposition. Identifiers: Orphanet 140162, MedGen C0027672, MeSH D009386, MONDO:0015356.
Hereditary breast ovarian cancer syndrome. Also called: Hereditary breast and ovarian cancer syndrome (HBOC); Breast and ovarian cancer; Hereditary breast and/or ovarian cancer syndrome; BRCA1- and BRCA2-Associated Hereditary Breast and Ovarian Cancer; Hereditary breast and ovarian cancer syndrome; Hereditary breast and ovarian cancer. Identifiers: Orphanet 145, MedGen C0677776, MeSH D061325, MONDO:0003582. Disease mechanism: loss of function.

Allele frequency attached by ClinVar (database versions not stated): gnomAD exomes below 0.00001; ExAC 0.00001.
gnomAD v4.1: 1 of 1,614,100 alleles (0.000062%); highest among the groups gnomAD compares: Admixed American, 0.0017%; no homozygotes.

Submissions (2):

Color Diagnostics, LLC DBA Color Health
Classification: Uncertain significance for Hereditary cancer-predisposing syndrome. Last evaluated: 2024-06-04. Review status: criteria provided, single submitter. Criteria: ACMG Guidelines, 2015. Collection method: clinical testing. Allele origin: germline.
Comment: This missense variant replaces aspartic acid with valine at codon 1398 of the BRCA1 protein. Computational prediction is inconclusive regarding the impact of this variant on protein structure and function. To our knowledge, functional studies have not been reported for this variant. This variant has not been reported in individuals affected with BRCA1-related disorders in the literature. This variant has been identified in 1/251278 chromosomes in the general population by the Genome Aggregation Database (gnomAD). The available evidence is insufficient to determine the role of this variant in disease conclusively. Therefore, this variant is classified as a Variant of Uncertain Significance.

Labcorp Genetics (formerly Invitae), Labcorp
Classification: Uncertain significance for Hereditary breast ovarian cancer syndrome. Last evaluated: 2020-06-09. Review status: criteria provided, single submitter. Criteria: Invitae Variant Classification Sherloc (09022015). Collection method: clinical testing. Allele origin: germline.
Comment: In summary, the available evidence is currently insufficient to determine the role of this variant in disease. Therefore, it has been classified as a Variant of Uncertain Significance. Algorithms developed to predict the effect of missense changes on protein structure and function (SIFT, PolyPhen-2, Align-GVGD) all suggest that this variant is likely to be tolerated, but these predictions have not been confirmed by published functional studies and their clinical significance is uncertain. This variant has not been reported in the literature in individuals with BRCA1-related conditions. This variant is present in population databases (rs761640584, ExAC 0.009%). This sequence change replaces aspartic acid with valine at codon 1398 of the BRCA1 protein (p.Asp1398Val). The aspartic acid residue is moderately conserved and there is a large physicochemical difference between aspartic acid and valine.

NM_007294.4(BRCA1):c.4193A>T (p.Asp1398Val)

Gene: BRCA1 (BRCA1 DNA repair associated; minus strand). Cytogenetic location: 17q21.31.
Variant type: single nucleotide variant.
Coding change: c.4193A>T on transcript NM_007294.4 (MANE Select); coding-DNA position 4193, A replaced by T.
Protein change: p.Asp1398Val; replaces aspartic acid 1398 with valine.
Molecular consequence: missense variant. On other transcripts: non-coding transcript variant (1).
Genome position (GRCh38, 1-based): chr17:43,082,568, T>A on the plus strand (A>T on the coding strand, the complement: BRCA1 is on the minus strand). VCF-style: chr17-43082568-T-A. GRCh37 (hg19) VCF-style: chr17-41234585-T-A.
Other names: c.4193A>T, p.Asp1398Val (NM_001407598.1, NM_001407602.1, NM_001407603.1 and 23 more transcripts); c.641A>T, p.Asp214Val (NM_001408495.1); c.620A>T, p.Asp207Val (NM_001408496.1, NM_001408497.1, NM_001408498.1 and 3 more transcripts); c.551A>T, p.Asp184Val (NM_001408502.1); c.4190A>T, p.Asp1397Val (NM_001407610.1, NM_001407611.1, NM_001407612.1 and 21 more transcripts); c.617A>T, p.Asp206Val (NM_001408503.1, NM_001408504.1, NM_001408505.1); c.557A>T, p.Asp186Val (NM_001408506.1); c.554A>T, p.Asp185Val (NM_001408507.1); and 51 more; short protein forms D1351V, D1398V, D295V, D127V, D1285V, D1287V, D1349V, D1355V.
Identifiers: ClinVar variation 1064293 (VCV001064293.11), dbSNP rs761640584, ClinGen allele CA059645.